The following is an entry in ClinVar:

NM_013432.5(TONSL):c.1250C>T (p.Ala417Val)

Gene: TONSL (tonsoku like, DNA repair protein; minus strand). Cytogenetic location: 8q24.3.
Variant type: single nucleotide variant.
Coding change: c.1250C>T on transcript NM_013432.5 (MANE Select); coding-DNA position 1250, C replaced by T.
Protein change: p.Ala417Val; replaces alanine 417 with valine.
Molecular consequence: missense variant.
Genome position (GRCh38, 1-based): chr8:144,440,391, G>A on the plus strand (C>T on the coding strand, the complement: TONSL is on the minus strand). VCF-style: chr8-144440391-G-A. GRCh37 (hg19) VCF-style: chr8-145665774-G-A.
Other names: short protein forms A417V.
Identifiers: ClinVar variation 1349284 (VCV001349284.8), dbSNP rs750087651, ClinGen allele CA4943319.
Genomic context (GRCh38, chr8:144,440,391, plus strand): 5'-GGTGGGATGGGCTCTCGCACCTGCAGCTGGGGACGCTGGGCCTGCTGGGCACAGCTGAGC[G>A]CTTTCTGGAAGCACGGGGCCAGCAGCTCGTAGGCATCGCCGGCCTCCTCGCGGGACAGTG-3'
Protein context (NP_038460.4, residues 407-427): YELLAPCFQK[Ala417Val]LSCAQQAQRP

ClinVar aggregate classification (germline): Uncertain significance (1 of 4 stars; one submission).

Allele frequency attached by ClinVar (database versions not stated): gnomAD exomes below 0.00001 and 0.00002; gnomAD 0.00001; ExAC 0.00002; TOPMed 0.00002.

Submission:

Labcorp Genetics (formerly Invitae), Labcorp
Classification: Uncertain significance. Last evaluated: 2022-02-10. Review status: criteria provided, single submitter. Criteria: Invitae Variant Classification Sherloc (09022015). Collection method: clinical testing. Allele origin: germline.
Comment: This sequence change replaces alanine, which is neutral and non-polar, with valine, which is neutral and non-polar, at codon 417 of the TONSL protein (p.Ala417Val). This variant is present in population databases (rs750087651, gnomAD 0.01%). This variant has not been reported in the literature in individuals affected with TONSL-related conditions. Algorithms developed to predict the effect of missense changes on protein structure and function (SIFT, PolyPhen-2, Align-GVGD) all suggest that this variant is likely to be disruptive. In summary, the available evidence is currently insufficient to determine the role of this variant in disease. Therefore, it has been classified as a Variant of Uncertain Significance.